The following is an entry in ClinVar:

NM_001394998.1(TANC2):c.6083A>G (p.Tyr2028Cys)

Gene: TANC2 (tetratricopeptide repeat, ankyrin repeat and coiled-coil containing 2; plus strand). Cytogenetic location: 17q23.3.
Variant type: single nucleotide variant.
Coding change: c.6083A>G on transcript NM_001394998.1 (MANE Select); coding-DNA position 6083, A replaced by G.
Protein change: p.Tyr2028Cys; replaces tyrosine 2028 with cysteine.
Molecular consequence: missense variant.
Genome position (GRCh38, 1-based): chr17:63,421,813, A>G. VCF-style: chr17-63421813-A-G. GRCh37 (hg19) VCF-style: chr17-61499174-A-G.
Other names: c.5861A>G, p.Tyr1954Cys (NM_001411076.1); c.5831A>G, p.Tyr1944Cys (NM_025185.4); short protein forms Y2028C, Y1944C, Y1954C.
Identifiers: ClinVar variation 5010030 (VCV005010030.1).

ClinVar aggregate classification (germline): Uncertain significance (1 of 4 stars; one submission).

gnomAD v4.1: 2 of 1,614,050 alleles (0.00012%); highest among the groups gnomAD compares: African/African-American, 0.0013%; no homozygotes.

Submission:

GeneDx
Classification: Uncertain significance. Last evaluated: 2026-02-23. Review status: criteria provided, single submitter. Criteria: GeneDx Variant Classification Process June 2021. Collection method: clinical testing. Allele origin: germline.
Comment: Not observed at significant frequency in large population cohorts (gnomAD); In silico analysis suggests that this missense variant does not alter protein structure/function; Has not been previously published as pathogenic or benign to our knowledge